The following is an entry in ClinVar:

ClinVar aggregate classification (germline): Conflicting classifications of pathogenicity. Review status: criteria provided, conflicting classifications (1 of 4 stars). 4 submissions from 4 submitters: Uncertain significance (2); Benign (1). 1 of the submissions does not count toward it. Last evaluated 2026-01-14.

Conditions:
Alpha thalassemia-X-linked intellectual disability syndrome (ATRX). Also called: ALPHA-THALASSEMIA/IMPAIRED INTELLECTUAL DEVELOPMENT SYNDROME, X-LINKED; ALPHA-THALASSEMIA/MENTAL RETARDATION SYNDROME, X-LINKED; ATR, NONDELETION TYPE; X-linked alpha-thalassemia-mental retardation syndrome; ATR-X syndrome; Alpha thalassemia mental retardation syndrome, nondeletion type, X-linked. Identifiers: Orphanet 847, MedGen C1845055, MONDO:0010519, OMIM 301040.

Submissions (4):

Labcorp Genetics (formerly Invitae), Labcorp
Classification: Benign for Alpha thalassemia-X-linked intellectual disability syndrome. Last evaluated: 2026-01-14. Review status: criteria provided, single submitter. Criteria: Invitae Variant Classification Sherloc (09022015). Collection method: clinical testing. Allele origin: germline.

GeneDx
Classification: Uncertain significance. Last evaluated: 2024-09-28. Review status: criteria provided, single submitter. Criteria: GeneDx Variant Classification Process June 2021. Collection method: clinical testing. Allele origin: germline. Affected: yes.
Comment: In-frame deletion of 1 amino acid in a non-repeat region; In silico analysis supports a deleterious effect on protein structure/function; Has not been previously published as pathogenic or benign to our knowledge; This variant is associated with the following publications: (PMID: 38369337)

Genomic Research Center, Shahid Beheshti University of Medical Sciences
Classification: Uncertain significance for ATR-X syndrome. Last evaluated: 2018-08-07. Review status: criteria provided, single submitter. Criteria: ACMG Guidelines, 2015. Collection method: clinical testing. Allele origin: inherited. Affected: yes. Observed: 1 variant allele.

Natera, Inc.
Classification: Benign for X-linked alpha-thalassemia-mental retardation syndrome. Last evaluated: 2019-10-28. Review status: no assertion criteria provided. Collection method: clinical testing. Allele origin: germline. Not counted in ClinVar's aggregate classification.

NM_000489.6(ATRX):c.5968TCT[2] (p.Ser1992del)

Gene: ATRX (ATRX chromatin remodeler; minus strand). Cytogenetic location: Xq21.1.
Variant type: Microsatellite.
Coding change: c.5968TCT[2] on transcript NM_000489.6 (MANE Select); two copies in a row of the 3-base unit TCT starting at c.5968; the reference has three copies in a row; one copy, 3 bases deleted; also written c.5974_5976del.
Protein change: p.Ser1992del; deletes serine 1992.
Molecular consequence: inframe deletion.
Genome position (GRCh38, 1-based): chrX:77,593,830-77,593,832, AGA deleted on the plus strand (TCT on the coding strand, the reverse complement: ATRX is on the minus strand); deleting any 3 consecutive bases within chrX:77,593,830-77,593,840 gives the same sequence; the position shown is the placement nearest the transcript's 3' end. VCF-style (leftmost placement, unchanged base first): chrX-77593829-TAGA-T. GRCh37 (hg19) VCF-style: chrX-76849299-TAGA-T.
Other names: c.5974_5976del (NM_000489.4, NM_000489.6); c.5854TCT[2], p.Ser1954del (NM_138270.5); c.5974_5976delTCT (NM_000489.5); short protein forms S1992del, S1954del.
Identifiers: ClinVar variation 587525 (VCV000587525.23), dbSNP rs782391479, ClinGen allele CA10457572.
Genomic context (GRCh38, chrX:77,593,829, plus strand): 5'-CCTCAGCATCAGCATCTGTAACAAAATCTTTGTACCAGTCTGGAGCTGGGCTGCTTGGAT[TAGA>T]AGAAGAAGTAGCTTTACCTAAATAAGACAAATGGAACATAAGTAGGTAAATTAGAAAAGA-3'